The following continues an entry in ClinVar:

NM_007294.4(BRCA1):c.5406+5G>T

Gene: BRCA1. ClinVar aggregate classification (germline): Likely pathogenic. Likely pathogenic (1).

Submissions 6 to 11 of 11:

All of Us Research Program, National Institutes of Health
Classification: Likely pathogenic for Breast-ovarian cancer, familial, susceptibility to, 1. Last evaluated: 2023-10-02. Review status: criteria provided, single submitter. Criteria: ACMG Guidelines, 2015. Collection method: clinical testing. Allele origin: germline. Inheritance: Autosomal dominant inheritance. Observed: 1 variant allele, 1 heterozygote. Not counted in ClinVar's aggregate classification.
Comment: This variant causes a G to T nucleotide substitution at the +5 position of intron 21 of the BRCA1 gene, altering a conserved G nucleotide at this position. Splice site prediction tools suggest that this variant may have a significant impact on RNA splicing. A different substitution c.5406+5G>C has been shown to cause the out-of-frame skipping of exon 21 that is expected to result in an absent functional protein (PMID: 22505045). A functional study has reported that this variant, c.5406+5G>T, impacts BRCA1 function in a haploid cell proliferation assay (PMID: 30209399). This variant has been reported in four individuals affected with breast cancer (PMID: 12491487, 26681312, 31300551, 36900375). This variant has not been identified in the general population by the Genome Aggregation Database (gnomAD). Based on the available evidence, this variant is classified as Likely Pathogenic.

This study involves interpretation of variants in research participants for the purpose of population health screening. Participant phenotype was not available at the time of variant classification. Additional details can be found in publication PMID: 35346344, PMCID: PMC8962531

Quest Diagnostics Nichols Institute San Juan Capistrano
Classification: Likely pathogenic. Last evaluated: 2019-11-22. Review status: criteria provided, single submitter. Criteria: Quest Diagnostics criteria. Collection method: clinical testing. Allele origin: unknown. Not counted in ClinVar's aggregate classification.
Comment: Not found in the total gnomAD dataset, and the data is high quality. Found in at least one patient with expected phenotype for this gene. Predicted to negatively affect a known splice site. Nucleotide conservation is uninformative. Assessment of experimental evidence suggests this variant results in abnormal protein function.

GeneDx
Classification: Likely pathogenic. Last evaluated: 2016-04-04. Review status: criteria provided, single submitter. Criteria: GeneDx Variant Classification (06012015). Collection method: clinical testing. Allele origin: germline. Affected: yes. Not counted in ClinVar's aggregate classification.
Comment: This variant is denoted BRCA1 IVS21+5G>T or c.5406+5G>T and consists of a G>T nucleotide substitution at the +5 position of intron 21 of the BRCA1 gene. Multiple in silico models predict this variant to result in either a decrease or complete loss of the natural splice donor site, likely leading to abnormal gene splicing. This variant, also known as IVS22+5G>T or c.5525+5G>T using alternate nomenclature, has been reported in at least one woman with a history of breast cancer (Olopade 2003). While functional studies have not been performed on this variant, an RT-PCR study of a different variant at the same nucleotide position, BRCA1 c.5406+5G>A, demonstrated exon skipping leading a frameshift and premature termination (Petrij-Bosch 1997). BRCA1 c.5406+5G>T was not observed in approximately 6,500 individuals of European and African American ancestry in the NHLBI Exome Sequencing Project, suggesting it is not a common benign variant in these populations. The guanine (G) nucleotide that is altered is conserved across species. We consider this variant to be likely pathogenic.

Sharing Clinical Reports Project (SCRP)
Classification: Pathogenic for Breast-ovarian cancer, familial 1. Last evaluated: 2011-06-20. Review status: no assertion criteria provided. Collection method: clinical testing. Allele origin: germline. Not counted in ClinVar's aggregate classification.

Brotman Baty Institute, University of Washington
No classification provided (evidence only). Condition: Breast-ovarian cancer, familial 1. Review status: no classification provided. Collection method: in vitro. Allele origin: not applicable. Functional consequence: functionally_abnormal. Not counted in ClinVar's aggregate classification.
ClinVar note: "not provided" was previously submitted as the classification for the variant. However, the classification appeared to be based only on an observation of functional data so it was converted to no classification on 2025-07-30.

Breast Cancer Information Core (BIC) (BRCA1)
Classification: Uncertain significance for Breast-ovarian cancer, familial 1. Last evaluated: 2002-05-29. Review status: flagged submission. Collection method: clinical testing. Allele origin: germline. Affected: yes. Observed: 3 variant alleles. Not counted in ClinVar's aggregate classification.
ClinVar note: Reason: Outlier claim with insufficient supporting evidence

Literature cited by the submitters: PubMed 12491487 (cited by 4 submitters); PubMed 22434525 (cited by Ambry Genetics); PubMed 30209399 (cited by 5 submitters); PubMed 9354803 (cited by 3 submitters); PubMed 22505045 (cited by 4 submitters); PubMed 26681312 (cited by 4 submitters); PubMed 31300551 (cited by Women's Health and Genetics/Laboratory Corporation of America, LabCorp and All of Us Research Program, National Institutes of Health); PubMed 17576681 (cited by Labcorp Genetics (formerly Invitae), Labcorp); PubMed 9536098 (cited by Labcorp Genetics (formerly Invitae), Labcorp); PubMed 36900375 (cited by All of Us Research Program, National Institutes of Health); PubMed 21523855 (cited by Quest Diagnostics Nichols Institute San Juan Capistrano).